The following is an entry in ClinVar:

NM_000043.6(FAS):c.381C>A (p.Cys127Ter)

Gene: FAS (Fas cell surface death receptor; plus strand). Cytogenetic location: 10q23.31.
Variant type: single nucleotide variant.
Coding change: c.381C>A on transcript NM_000043.6 (MANE Select); coding-DNA position 381, C replaced by A.
Protein change: p.Cys127Ter; replaces cysteine 127 with a stop codon.
Molecular consequence: nonsense. On other transcripts: non-coding transcript variant (1).
Genome position (GRCh38, 1-based): chr10:89,008,935, C>A. VCF-style: chr10-89008935-C-A. GRCh37 (hg19) VCF-style: chr10-90768692-C-A.
Other names: c.381C>A, p.Cys127Ter (NM_001320619.2, NM_152871.4, NM_152872.4); c.426C>A, p.Cys142Ter (NM_001410956.1); short protein forms C127*, C142*.
Identifiers: ClinVar variation 3376841 (VCV003376841.1).
Genomic context (GRCh38, chr10:89,008,935, plus strand): 5'-AACTGATTTTCTAGGCTTAGAAGTGGAAATAAACTGCACCCGGACCCAGAATACCAAGTG[C>A]AGATGTAAACCAAACTTTTTTTGTAACTCTACTGTATGTGAACACTGTGACCCTTGCACC-3'

ClinVar aggregate classification (germline): Pathogenic (1 of 4 stars; one submission).

Conditions:
Autoimmune lymphoproliferative syndrome (ALPS). Identifiers: Orphanet 3261, MedGen C1328840, MONDO:0017979.

Submission:

Victorian Clinical Genetics Services, Murdoch Childrens Research Institute
Classification: Pathogenic for Autoimmune lymphoproliferative syndrome. Last evaluated: 2023-12-21. Review status: criteria provided, single submitter. Criteria: ACMG Guidelines, 2015. Collection method: clinical testing. Allele origin: germline. Inheritance: Autosomal recessive inheritance. Affected: yes.
Comment: Based on the classification scheme VCGS_Germline_v1.3.4, this variant is classified as Pathogenic. Following criteria are met: 0103 - Dominant negative and loss of function are known mechanisms of disease in this gene. Pathogenic missense variants exerting a dominant-negative effect are found primarily in the Death domain while variants resulting in loss of function are located primarily in the extracellular domain (GeneReviews; PMIDs: 20301287, 34171534, 35059842). (I) 0108 - This gene is associated with both recessive and dominant disease. Autosomal recessive disease resulting from loss of function variants is more severe and usually results in death at an early age while autosomal dominant disease is associated with dominant-negative missense variants (GeneReviews; PMIDs: 20301287, 34171534, 35059842). (I) 0112 - The condition associated with this gene has incomplete penetrance. Loss of function variants have a clinical penetrance of approximately 33% while dominant-negative variants have a clinical penetrance of approximately 77% (ClinGen). (I) 0201 - Variant is predicted to cause nonsense-mediated decay (NMD) and loss of protein (premature termination codon is located at least 54 nucleotides upstream of the final exon-exon junction). (SP) 0251 - This variant is heterozygous. (I) 0301 - Variant is absent from gnomAD (both v2 and v3). (SP) 0701 - Other null variants comparable to the one identified in this case have very strong previous evidence for pathogenicity. There are at least ten NMD-predicted variants that have been reported as likely pathogenic or pathogenic (DECIPHER). (SP) 0807 - This variant has no previous evidence of pathogenicity. (I) 0905 - No published segregation evidence has been identified for this variant. (I) 1007 - No published functional evidence has been identified for this variant. (I) 1208 - Inheritance information for this variant is not currently available in this individual. (I) Legend: (SP) - Supporting pathogenic, (I) - Information, (SB) - Supporting benign

Literature cited by the submitters: PubMed 20301287; PubMed 34171534; PubMed 35059842.